The following is an entry in ClinVar:

NM_001348800.3(ZBTB20):c.729C>T (p.Ile243=)

Gene: ZBTB20 (zinc finger and BTB domain containing 20; minus strand). Cytogenetic location: 3q13.31.
Variant type: single nucleotide variant.
Coding change: c.729C>T on transcript NM_001348800.3 (MANE Select); coding-DNA position 729, C replaced by T.
Protein change: p.Ile243=; no amino-acid change (isoleucine 243 retained).
Molecular consequence: synonymous variant.
Genome position (GRCh38, 1-based): chr3:114,351,349, G>A on the plus strand (C>T on the coding strand, the complement: ZBTB20 is on the minus strand). VCF-style: chr3-114351349-G-A. GRCh37 (hg19) VCF-style: chr3-114070196-G-A.
Other names: c.729C>T, p.Ile243= (NM_001164342.2, NM_001348803.3, NM_001393393.1 and 1 more transcripts); c.510C>T, p.Ile170= (NM_001164343.2, NM_001164344.4, NM_001164345.4 and 9 more transcripts).
Identifiers: ClinVar variation 720772 (VCV000720772.11), dbSNP rs1034197688, ClinGen allele CA81668166.
Genomic context (GRCh38, chr3:114,351,349, plus strand): 5'-GCTGTAAAAAGAGCGCTCGCCGCTGCCATTCTGCATGGAGCACGCGTAGAGTGCCGAGTA[G>A]ATCCTGTCCACGCTGTGCTGTGGGTGGCTCTGCAGGTAGCCCGACTCCGTGTCGCTGCTC-3'
Protein context (NP_001335729.1, residues 233-253): QSHPQHSVDR[Ile243=]YSALYACSMQ

ClinVar aggregate classification (germline): Likely benign. Review status: criteria provided, multiple submitters, no conflicts (2 of 4 stars). 3 submissions from 3 submitters: Likely benign (2). 1 of the submissions does not count toward it. Last evaluated 2026-01-15.

Conditions:
ZBTB20-related disorder. Also called: ZBTB20-related condition.

gnomAD v4.1: 6 of 1,609,986 alleles (0.00037%); no homozygotes.

Submissions (3):

Labcorp Genetics (formerly Invitae), Labcorp
Classification: Likely benign. Last evaluated: 2026-01-15. Review status: criteria provided, single submitter. Criteria: Invitae Variant Classification Sherloc (09022015). Collection method: clinical testing. Allele origin: germline.

Blueprint Genetics
Classification: Likely benign. Last evaluated: 2024-05-03. Review status: criteria provided, single submitter. Criteria: ACMG Guidelines, 2015. Collection method: clinical testing. Allele origin: germline.

PreventionGenetics, part of Exact Sciences
Classification: Likely benign for ZBTB20-related condition. Last evaluated: 2021-12-10. Review status: no assertion criteria provided. Collection method: clinical testing. Allele origin: germline. Not counted in ClinVar's aggregate classification.
Comment: This variant is classified as likely benign based on ACMG/AMP sequence variant interpretation guidelines (Richards et al. 2015 PMID: 25741868, with internal and published modifications).